The following is an entry in ClinVar:

NM_006186.4(NR4A2):c.760C>T (p.Arg254Trp)

Gene: NR4A2 (nuclear receptor subfamily 4 group A member 2; minus strand). Cytogenetic location: 2q24.1.
Variant type: single nucleotide variant.
Coding change: c.760C>T on transcript NM_006186.4 (MANE Select); coding-DNA position 760, C replaced by T.
Protein change: p.Arg254Trp; replaces arginine 254 with tryptophan.
Molecular consequence: missense variant.
Genome position (GRCh38, 1-based): chr2:156,329,427, G>A on the plus strand (C>T on the coding strand, the complement: NR4A2 is on the minus strand). VCF-style: chr2-156329427-G-A. GRCh37 (hg19) VCF-style: chr2-157185939-G-A.
Other names: c.571C>T, p.Arg191Trp (NM_173173.3); short protein forms R191W, R254W.
Identifiers: ClinVar variation 4822362 (VCV004822362.4).

ClinVar aggregate classification (germline): Uncertain significance (1 of 4 stars; one submission).

Submission:

CeGaT Center for Human Genetics Tuebingen
Classification: Uncertain significance. Last evaluated: 2026-02-01. Review status: criteria provided, single submitter. Criteria: CeGaT Center For Human Genetics Tuebingen Variant Classification Criteria Version 2. Collection method: clinical testing. Allele origin: germline. Affected: yes. Observed: 1 variant allele.
Comment: NR4A2: PM2, PP3